The following is an entry in ClinVar:

ClinVar aggregate classification (germline): Uncertain significance. Review status: criteria provided, multiple submitters, no conflicts (2 of 4 stars). 3 submissions from 3 submitters: Uncertain significance (3). Last evaluated 2024-04-05.

Conditions:
Cardiovascular phenotype. Identifiers: MedGen CN230736.
Distal myopathy with posterior leg and anterior hand involvement. Also called: WILLIAMS DISTAL MYOPATHY. Identifiers: Orphanet 63273, MedGen C3279722, MONDO:0013550, OMIM 614065.
Hypertrophic cardiomyopathy 26. Also called: Cardiomyopathy, familial hypertrophic, 26. Identifiers: Orphanet 75249, MedGen C4310749, MONDO:0014883, OMIM 617047.
Myofibrillar myopathy 5. Also called: Filaminopathy (type); FILAMINOPATHY, AUTOSOMAL DOMINANT. Identifiers: Orphanet 171445, MedGen C1836050, MONDO:0012289, OMIM 609524.

Allele frequency attached by ClinVar (database versions not stated): TOPMed below 0.00001; ExAC 0.00001.
gnomAD v4.1: 1 of 1,614,022 alleles (0.000062%); highest among the groups gnomAD compares: South Asian, 0.0011%; no homozygotes.

Submissions (3):

Labcorp Genetics (formerly Invitae), Labcorp
Classification: Uncertain significance for Distal myopathy with posterior leg and anterior hand involvement; Myofibrillar myopathy 5; Hypertrophic cardiomyopathy 26. Last evaluated: 2024-04-05. Review status: criteria provided, single submitter. Criteria: Invitae Variant Classification Sherloc (09022015). Collection method: clinical testing. Allele origin: germline.
Comment: This sequence change replaces alanine, which is neutral and non-polar, with valine, which is neutral and non-polar, at codon 2357 of the FLNC protein (p.Ala2357Val). This variant is not present in population databases (gnomAD no frequency). This variant has not been reported in the literature in individuals affected with FLNC-related conditions. ClinVar contains an entry for this variant (Variation ID: 1460816). Advanced modeling of protein sequence and biophysical properties (such as structural, functional, and spatial information, amino acid conservation, physicochemical variation, residue mobility, and thermodynamic stability) performed at Invitae indicates that this missense variant is not expected to disrupt FLNC protein function with a negative predictive value of 80%. In summary, the available evidence is currently insufficient to determine the role of this variant in disease. Therefore, it has been classified as a Variant of Uncertain Significance.

Ambry Genetics
Classification: Uncertain significance for Cardiovascular phenotype. Last evaluated: 2021-07-30. Review status: criteria provided, single submitter. Criteria: Ambry Variant Classification Scheme 2023. Collection method: clinical testing. Allele origin: germline.
Comment: The p.A2357V variant (also known as c.7070C>T), located in coding exon 42 of the FLNC gene, results from a C to T substitution at nucleotide position 7070. The alanine at codon 2357 is replaced by valine, an amino acid with similar properties. This amino acid position is conserved. In addition, this alteration is predicted to be deleterious by in silico analysis. Since supporting evidence is limited at this time, the clinical significance of this alteration remains unclear.

Blueprint Genetics
Classification: Uncertain significance. Last evaluated: 2017-12-11. Review status: criteria provided, single submitter. Criteria: ACMG Guidelines, 2015. Collection method: clinical testing. Allele origin: germline.

NM_001458.5(FLNC):c.7070C>T (p.Ala2357Val)

Genes: FLNC (filamin C; plus strand), FLNC-AS1 (FLNC antisense RNA 1; minus strand). Cytogenetic location: 7q32.1.
Variant type: single nucleotide variant.
Coding change: c.7070C>T on transcript NM_001458.5 (MANE Select); coding-DNA position 7070, C replaced by T.
Protein change: p.Ala2357Val; replaces alanine 2357 with valine.
Molecular consequence: missense variant.
Genome position (GRCh38, 1-based): chr7:128,854,847, C>T. VCF-style: chr7-128854847-C-T. GRCh37 (hg19) VCF-style: chr7-128494901-C-T.
Other names: c.6971C>T, p.Ala2324Val (NM_001127487.2); short protein forms A2357V, A2324V.
Identifiers: ClinVar variation 1460816 (VCV001460816.9), dbSNP rs765841097, ClinGen allele CA4476149.
Genomic context (GRCh38, chr7:128,854,847, plus strand): 5'-TCTGGACCCGGGAGGCTGGCGCTGGGGGCCTGTCCATTGCTGTGGAGGGTCCTAGCAAAG[C>T]GGAGATTGCATTTGAGGATCGCAAAGATGGCTCCTGCGGCGTCTCCTATGTCGTCCAGGA-3'
Protein context (NP_001449.3, residues 2347-2367): LSIAVEGPSK[Ala2357Val]EIAFEDRKDG